The following is an entry in ClinVar:

ClinVar aggregate classification (germline): Uncertain significance (1 of 4 stars; one submission).

gnomAD v4.1: 12 of 1,613,664 alleles (0.00074%); highest among the groups gnomAD compares: Non-Finnish European, 0.001%; no homozygotes.

Submission:

Labcorp Genetics (formerly Invitae), Labcorp
Classification: Uncertain significance. Last evaluated: 2021-09-18. Review status: criteria provided, single submitter. Criteria: Invitae Variant Classification Sherloc (09022015). Collection method: clinical testing. Allele origin: germline.
Comment: In summary, the available evidence is currently insufficient to determine the role of this variant in disease. Therefore, it has been classified as a Variant of Uncertain Significance. Algorithms developed to predict the effect of missense changes on protein structure and function are either unavailable or do not agree on the potential impact of this missense change (SIFT: "Deleterious"; PolyPhen-2: "Probably Damaging"; Align-GVGD: "Class C0"). This variant has not been reported in the literature in individuals affected with GRM6-related conditions. This variant is not present in population databases (ExAC no frequency). This sequence change replaces serine with threonine at codon 809 of the GRM6 protein (p.Ser809Thr). The serine residue is highly conserved and there is a small physicochemical difference between serine and threonine.

NM_000843.4(GRM6):c.2425T>A (p.Ser809Thr)

Genes: GRM6 (glutamate metabotropic receptor 6; minus strand), ZNF454 (zinc finger protein 454; plus strand). Cytogenetic location: 5q35.3.
Variant type: single nucleotide variant.
Coding change: c.2425T>A on transcript NM_000843.4 (MANE Select); coding-DNA position 2425, T replaced by A.
Protein change: p.Ser809Thr; replaces serine 809 with threonine.
Molecular consequence: missense variant.
Genome position (GRCh38, 1-based): chr5:178,982,921, A>T on the plus strand (T>A on the coding strand, the complement: GRM6 is on the minus strand). VCF-style: chr5-178982921-A-T. GRCh37 (hg19) VCF-style: chr5-178409922-A-T.
Other names: short protein forms S809T.
Identifiers: ClinVar variation 1382087 (VCV001382087.6), dbSNP rs2113314313, ClinGen allele CA362424057.